The following is an entry in ClinVar:

NM_000135.4(FANCA):c.4218A>T (p.Leu1406Phe)

Genes: ZNF276 (zinc finger protein 276; plus strand), FANCA (FA complementation group A; minus strand). Cytogenetic location: 16q24.3.
Variant type: single nucleotide variant.
Coding change: c.4218A>T on transcript NM_000135.4 (MANE Select); coding-DNA position 4218, A replaced by T.
Protein change: p.Leu1406Phe; replaces leucine 1406 with phenylalanine.
Molecular consequence: missense variant. On other transcripts: 3 prime UTR variant (2), non-coding transcript variant (4).
Genome position (GRCh38, 1-based): chr16:89,738,924, T>A on the plus strand (A>T on the coding strand, the complement: FANCA is on the minus strand). VCF-style: chr16-89738924-T-A. GRCh37 (hg19) VCF-style: chr16-89805332-T-A.
Other names: c.4222A>T, p.Asn1408Tyr (NM_001286167.3); c.*678T>A (NM_001113525.2, NM_152287.4); short protein forms L1406F, N1408Y.
Identifiers: ClinVar variation 1415345 (VCV001415345.9), dbSNP rs752245802, ClinGen allele CA8250686.

ClinVar aggregate classification (germline): Uncertain significance. Review status: criteria provided, multiple submitters, no conflicts (2 of 4 stars). 2 submissions from 2 submitters: Uncertain significance (2). Last evaluated 2025-07-07.

Conditions:
Fanconi anemia complementation group A (FANCA). Also called: Fanconi anemia, group A; FANCA-Related Fanconi Anemia. Identifiers: Orphanet 84, MedGen C3469521, MONDO:0009215, OMIM 227650.
Fanconi anemia (FA). Also called: Fanconi's anemia. Identifiers: Orphanet 84, MedGen C0015625, MeSH D005199, MONDO:0019391.

Allele frequency attached by ClinVar (database versions not stated): ExAC 0.00001; gnomAD exomes 0.00001 and 0.00002.
gnomAD v4.1: 8 of 1,614,262 alleles (0.0005%); highest among the groups gnomAD compares: East Asian, 0.018%; no homozygotes.

Submissions (2):

Labcorp Genetics (formerly Invitae), Labcorp
Classification: Uncertain significance for Fanconi anemia. Last evaluated: 2025-07-07. Review status: criteria provided, single submitter. Criteria: Invitae Variant Classification Sherloc (09022015). Collection method: clinical testing. Allele origin: germline.
Comment: This sequence change replaces leucine, which is neutral and non-polar, with phenylalanine, which is neutral and non-polar, at codon 1406 of the FANCA protein (p.Leu1406Phe). This variant is present in population databases (rs752245802, gnomAD 0.02%). This variant has not been reported in the literature in individuals affected with FANCA-related conditions. ClinVar contains an entry for this variant (Variation ID: 1415345). Invitae Evidence Modeling of protein sequence and biophysical properties (such as structural, functional, and spatial information, amino acid conservation, physicochemical variation, residue mobility, and thermodynamic stability) indicates that this missense variant is not expected to disrupt FANCA protein function with a negative predictive value of 95%. In summary, the available evidence is currently insufficient to determine the role of this variant in disease. Therefore, it has been classified as a Variant of Uncertain Significance.

Fulgent Genetics
Classification: Uncertain significance for Fanconi anemia complementation group A. Last evaluated: 2021-12-08. Review status: criteria provided, single submitter. Criteria: ACMG Guidelines, 2015. Collection method: clinical testing. Allele origin: unknown.